The following is an entry in ClinVar:

ClinVar aggregate classification (germline): Conflicting classifications of pathogenicity. Review status: criteria provided, conflicting classifications (1 of 4 stars). 3 submissions from 3 submitters: Uncertain significance (2); Likely benign (1). Last evaluated 2025-05-08.

Conditions:
Inborn genetic diseases. Identifiers: MedGen C0950123, MeSH D030342.

Allele frequency attached by ClinVar (database versions not stated): ExAC 0.00003; gnomAD exomes 0.00003 and 0.00005; gnomAD 0.00005; TOPMed 0.00006.
gnomAD v4.1: 49 of 1,613,288 alleles (0.003%); highest among the groups gnomAD compares: Admixed American, 0.027%; no homozygotes.

Submissions (3):

Labcorp Genetics (formerly Invitae), Labcorp
Classification: Uncertain significance. Last evaluated: 2025-05-08. Review status: criteria provided, single submitter. Criteria: Invitae Variant Classification Sherloc (09022015). Collection method: clinical testing. Allele origin: germline.
Comment: This sequence change replaces arginine, which is basic and polar, with histidine, which is basic and polar, at codon 797 of the CACNA2D4 protein (p.Arg797His). This variant is present in population databases (rs764405009, gnomAD 0.03%). This variant has not been reported in the literature in individuals affected with CACNA2D4-related conditions. ClinVar contains an entry for this variant (Variation ID: 940112). An algorithm developed to predict the effect of missense changes on protein structure and function outputs the following: PolyPhen-2: "Benign". The histidine amino acid residue is found in multiple mammalian species, which suggests that this missense change does not adversely affect protein function. In summary, the available evidence is currently insufficient to determine the role of this variant in disease. Therefore, it has been classified as a Variant of Uncertain Significance.

Ambry Genetics
Classification: Likely benign for Inborn genetic diseases. Last evaluated: 2025-01-22. Review status: criteria provided, single submitter. Criteria: Ambry Variant Classification Scheme 2023. Collection method: clinical testing. Allele origin: germline.

Blueprint Genetics
Classification: Uncertain significance. Last evaluated: 2023-03-27. Review status: criteria provided, single submitter. Criteria: ACMG Guidelines, 2015. Collection method: clinical testing. Allele origin: germline.

NM_172364.5(CACNA2D4):c.2390G>A (p.Arg797His)

Gene: CACNA2D4 (calcium voltage-gated channel auxiliary subunit alpha2delta 4; minus strand). Cytogenetic location: 12p13.33.
Variant type: single nucleotide variant.
Coding change: c.2390G>A on transcript NM_172364.5 (MANE Select); coding-DNA position 2390, G replaced by A.
Protein change: p.Arg797His; replaces arginine 797 with histidine.
Molecular consequence: missense variant.
Genome position (GRCh38, 1-based): chr12:1,844,482, C>T on the plus strand (G>A on the coding strand, the complement: CACNA2D4 is on the minus strand). VCF-style: chr12-1844482-C-T. GRCh37 (hg19) VCF-style: chr12-1953648-C-T.
Other names: short protein forms R797H.
Identifiers: ClinVar variation 940112 (VCV000940112.11), dbSNP rs764405009, ClinGen allele CA6386713.